The following is an entry in ClinVar:

NM_032620.4(GTPBP3):c.256C>T (p.Arg86Cys)

Gene: GTPBP3 (GTP binding protein 3, mitochondrial; plus strand). Cytogenetic location: 19p13.11.
Variant type: single nucleotide variant.
Coding change: c.256C>T on transcript NM_032620.4 (MANE Select); coding-DNA position 256, C replaced by T.
Protein change: p.Arg86Cys; replaces arginine 86 with cysteine.
Molecular consequence: missense variant.
Genome position (GRCh38, 1-based): chr19:17,338,210, C>T. VCF-style: chr19-17338210-C-T. GRCh37 (hg19) VCF-style: chr19-17449019-C-T.
Other names: c.256C>T, p.Arg86Cys (NM_001128855.3, NM_133644.4); c.322C>T, p.Arg108Cys (NM_001195422.1); short protein forms R108C, R86C.
Identifiers: ClinVar variation 703847 (VCV000703847.20), dbSNP rs148970868, ClinGen allele CA9293270.

ClinVar aggregate classification (germline): Likely benign. Review status: criteria provided, multiple submitters, no conflicts (2 of 4 stars). 6 submissions from 6 submitters: Likely benign (5). 1 of the submissions does not count toward it. Last evaluated 2026-01-19.

Conditions:
Inborn genetic diseases. Identifiers: MedGen C0950123, MeSH D030342.
GTPBP3-related disorder. Also called: GTPBP3-related condition.

Allele frequency attached by ClinVar (database versions not stated): gnomAD exomes 0.00018 and 0.00032; ExAC 0.00052; 1000 Genomes Project 0.00140; 1000 Genomes Project 30x 0.00141; ESP Exome Variant Server 0.00155; gnomAD 0.00162 and 0.00178; TOPMed 0.00173.

Submissions (6):

Labcorp Genetics (formerly Invitae), Labcorp
Classification: Likely benign. Last evaluated: 2026-01-19. Review status: criteria provided, single submitter. Criteria: Invitae Variant Classification Sherloc (09022015). Collection method: clinical testing. Allele origin: germline.

Blueprint Genetics
Classification: Likely benign. Last evaluated: 2024-09-02. Review status: criteria provided, single submitter. Criteria: ACMG Guidelines, 2015. Collection method: clinical testing. Allele origin: germline.

Ambry Genetics
Classification: Likely benign for Inborn genetic diseases. Last evaluated: 2023-02-10. Review status: criteria provided, single submitter. Criteria: Ambry Variant Classification Scheme 2023. Collection method: clinical testing. Allele origin: germline.

GeneDx
Classification: Likely benign. Last evaluated: 2020-12-16. Review status: criteria provided, single submitter. Criteria: GeneDx Variant Classification Process June 2021. Collection method: clinical testing. Allele origin: germline. Affected: yes.

Breakthrough Genomics
Classification: Likely benign. Review status: criteria provided, single submitter. Criteria: ACMG Guidelines, 2015. Collection method: not provided. Allele origin: germline. Inheritance: Autosomal recessive inheritance. Affected: yes.

PreventionGenetics, part of Exact Sciences
Classification: Likely benign for GTPBP3-related condition. Last evaluated: 2019-07-12. Review status: no assertion criteria provided. Collection method: clinical testing. Allele origin: germline. Not counted in ClinVar's aggregate classification.
Comment: This variant is classified as likely benign based on ACMG/AMP sequence variant interpretation guidelines (Richards et al. 2015 PMID: 25741868, with internal and published modifications).